The following is an entry in ClinVar:

NM_007317.3(KIF22):c.1187C>T (p.Pro396Leu)

Gene: KIF22 (kinesin family member 22; plus strand). Cytogenetic location: 16p11.2.
Variant type: single nucleotide variant.
Coding change: c.1187C>T on transcript NM_007317.3 (MANE Select); coding-DNA position 1187, C replaced by T.
Protein change: p.Pro396Leu; replaces proline 396 with leucine.
Molecular consequence: missense variant.
Genome position (GRCh38, 1-based): chr16:29,799,955, C>T. VCF-style: chr16-29799955-C-T. GRCh37 (hg19) VCF-style: chr16-29811276-C-T.
Other names: c.983C>T, p.Pro328Leu (NM_001256269.2, NM_001256270.1); short protein forms P396L, P328L.
Identifiers: ClinVar variation 1985840 (VCV001985840.4), dbSNP rs767183596, ClinGen allele CA7993200.

ClinVar aggregate classification (germline): Uncertain significance (1 of 4 stars; one submission).

Allele frequency attached by ClinVar (database versions not stated): gnomAD exomes below 0.00001; ExAC 0.00001.
gnomAD v4.1: 1 of 1,614,176 alleles (0.000062%); highest among the groups gnomAD compares: Non-Finnish European, 0.000085%; no homozygotes.

Submission:

Labcorp Genetics (formerly Invitae), Labcorp
Classification: Uncertain significance. Last evaluated: 2023-11-18. Review status: criteria provided, single submitter. Criteria: Invitae Variant Classification Sherloc (09022015). Collection method: clinical testing. Allele origin: germline.
Comment: This sequence change replaces proline, which is neutral and non-polar, with leucine, which is neutral and non-polar, at codon 396 of the KIF22 protein (p.Pro396Leu). This variant is present in population databases (rs767183596, gnomAD 0.0009%). This variant has not been reported in the literature in individuals affected with KIF22-related conditions. ClinVar contains an entry for this variant (Variation ID: 1985840). Advanced modeling of protein sequence and biophysical properties (such as structural, functional, and spatial information, amino acid conservation, physicochemical variation, residue mobility, and thermodynamic stability) performed at Invitae indicates that this missense variant is not expected to disrupt KIF22 protein function with a negative predictive value of 80%. In summary, the available evidence is currently insufficient to determine the role of this variant in disease. Therefore, it has been classified as a Variant of Uncertain Significance.